The following is an entry in ClinVar:

NM_003730.6(RNASET2):c.188C>G (p.Thr63Arg)

Gene: RNASET2 (ribonuclease T2; minus strand). Cytogenetic location: 6q27.
Variant type: single nucleotide variant.
Coding change: c.188C>G on transcript NM_003730.6 (MANE Select); coding-DNA position 188, C replaced by G.
Protein change: p.Thr63Arg; replaces threonine 63 with arginine.
Molecular consequence: missense variant.
Genome position (GRCh38, 1-based): chr6:166,948,585, G>C on the plus strand (C>G on the coding strand, the complement: RNASET2 is on the minus strand). VCF-style: chr6-166948585-G-C. GRCh37 (hg19) VCF-style: chr6-167362073-G-C.
Other names: short protein forms T63R.
Identifiers: ClinVar variation 4695400 (VCV004695400.1).

ClinVar aggregate classification (germline): Uncertain significance (1 of 4 stars; one submission).

gnomAD v4.1: 27 of 1,601,104 alleles (0.0017%); highest among the groups gnomAD compares: Non-Finnish European, 0.0023%; no homozygotes.

Submission:

Labcorp Genetics (formerly Invitae), Labcorp
Classification: Uncertain significance. Last evaluated: 2025-02-10. Review status: criteria provided, single submitter. Criteria: Invitae Variant Classification Sherloc (09022015). Collection method: clinical testing. Allele origin: germline.
Comment: This sequence change replaces threonine, which is neutral and polar, with arginine, which is basic and polar, at codon 63 of the RNASET2 protein (p.Thr63Arg). This variant is present in population databases (no rsID available, gnomAD 0.0009%). This variant has not been reported in the literature in individuals affected with RNASET2-related conditions. Invitae Evidence Modeling of protein sequence and biophysical properties (such as structural, functional, and spatial information, amino acid conservation, physicochemical variation, residue mobility, and thermodynamic stability) indicates that this missense variant is expected to disrupt RNASET2 protein function with a positive predictive value of 80%. In summary, the available evidence is currently insufficient to determine the role of this variant in disease. Therefore, it has been classified as a Variant of Uncertain Significance.